The following is an entry in ClinVar:

ClinVar aggregate classification (germline): Uncertain significance. Review status: criteria provided, single submitter (1 of 4 stars). 2 submissions from 1 submitter: Uncertain significance (2). Last evaluated 2023-08-27.

Conditions:
Primary ciliary dyskinesia. Also called: Ciliary dyskinesia. Identifiers: Orphanet 244, MedGen C0008780, MONDO:0016575, HP:0012265.
Ornithine carbamoyltransferase deficiency (OTCD). Also called: ORNITHINE TRANSCARBAMYLASE DEFICIENCY, HYPERAMMONEMIA DUE TO; ORNITHINE TRANSCARBAMYLASE DEFICIENCY; OTC DEFICIENCY; Ornithine Carbamoyltransferase Deficiency Disease. Identifiers: Orphanet 664, MedGen C0268542, MONDO:0010703, OMIM 311250.

Submissions (2):

Labcorp Genetics (formerly Invitae), Labcorp
Classification: Uncertain significance for Primary ciliary dyskinesia. Last evaluated: 2023-08-27. Review status: criteria provided, single submitter. Criteria: Invitae Variant Classification Sherloc (09022015). Collection method: clinical testing. Allele origin: unknown.
Comment: This variant has not been reported in the literature in individuals affected with RPGR-related conditions. In summary, the available evidence is currently insufficient to determine the role of this variant in disease. Therefore, it has been classified as a Variant of Uncertain Significance. A copy number gain of the genomic region encompassing the full coding sequence of the RPGR gene has been identified. The boundaries of this event are unknown as they extend beyond the assayed region for this gene and therefore may encompass additional genes. As the precise location of this event is unknown, it may be in tandem or it may be located elsewhere in the genome.

Labcorp Genetics (formerly Invitae), Labcorp
Classification: Uncertain significance for Ornithine carbamoyltransferase deficiency. Last evaluated: 2022-07-13. Review status: criteria provided, single submitter. Criteria: Invitae Variant Classification Sherloc (09022015). Collection method: clinical testing. Allele origin: germline.
Comment: A copy number gain of the genomic region encompassing the full coding sequence of the OTC gene has been identified. The boundaries of this event are unknown as they extend beyond the assayed region for this gene and therefore may encompass additional genes. As the precise location of this event is unknown, it may be in tandem or it may be located elsewhere in the genome. This variant has not been reported in the literature in individuals affected with OTC-related conditions. In summary, the available evidence is currently insufficient to determine the role of this variant in disease. Therefore, it has been classified as a Variant of Uncertain Significance.

NC_000023.10:g.(?_38128879)_(38280335_?)dup

Genes: OTC (ornithine transcarbamylase; plus strand), RPGR (retinitis pigmentosa GTPase regulator; minus strand). Cytogenetic location: Xp11.4.
Variant type: Duplication.
Identifiers: ClinVar variation 2423236 (VCV002423236.5).